The following is an entry in ClinVar:

ClinVar aggregate classification (germline): Conflicting classifications of pathogenicity. Review status: criteria provided, conflicting classifications (1 of 4 stars). 5 submissions from 5 submitters: Uncertain significance (2); Likely benign (2). 1 of the submissions does not count toward it. Last evaluated 2025-12-21.

Conditions:
Inborn genetic diseases. Identifiers: MedGen C0950123, MeSH D030342.
Focal segmental glomerulosclerosis 9 (FSGS9). Identifiers: Orphanet 656, MedGen C4015555, MONDO:0014539, OMIM 616220.
CRB2-related disorder. Also called: CRB2-related disorders; CRB2-related condition.

Allele frequency attached by ClinVar (database versions not stated): gnomAD 0.00006 and 0.00007; gnomAD exomes 0.00008 and 0.00038; TOPMed 0.00019; 1000 Genomes Project 0.00020; 1000 Genomes Project 30x 0.00031; ExAC 0.00041.
gnomAD v4.1: 122 of 1,607,608 alleles (0.0076%); highest among the groups gnomAD compares: Admixed American, 0.18%; 1 homozygote.

Submissions (5):

Labcorp Genetics (formerly Invitae), Labcorp
Classification: Likely benign. Last evaluated: 2025-12-21. Review status: criteria provided, single submitter. Criteria: Invitae Variant Classification Sherloc (09022015). Collection method: clinical testing. Allele origin: germline.

GeneDx
Classification: Uncertain significance. Last evaluated: 2024-02-09. Review status: criteria provided, single submitter. Criteria: GeneDx Variant Classification Process June 2021. Collection method: clinical testing. Allele origin: germline. Affected: yes.
Comment: In silico analysis supports that this missense variant has a deleterious effect on protein structure/function; Has not been previously published as pathogenic or benign to our knowledge

Johns Hopkins Genomics, Johns Hopkins University
Classification: Uncertain significance for Focal segmental glomerulosclerosis 9. Last evaluated: 2023-09-12. Review status: criteria provided, single submitter. Criteria: ACMG Guidelines, 2015. Collection method: clinical testing. Allele origin: germline.
Comment: This CRB2 missense variant (rs537738396) is rare (<0.1%) in a large population dataset (gnomAD v2.1.1: 91/266838 total alleles; 0.034%; 1 homozygote). It has been reported in ClinVar (Variation ID 721393), but has not been reported in the literature, to our knowledge. Two bioinformatic tools queried predict that this substitution would be damaging, and the arginine residue at this position is evolutionarily conserved across all except one of the species assessed. We consider the clinical significance of c.3754C>T;p.Arg1252Cys in CRB2 to be uncertain at this time.

Ambry Genetics
Classification: Likely benign for Inborn genetic diseases. Last evaluated: 2021-06-02. Review status: criteria provided, single submitter. Criteria: Ambry Variant Classification Scheme 2023. Collection method: clinical testing. Allele origin: germline.

PreventionGenetics, part of Exact Sciences
Classification: Likely benign for CRB2-related condition. Last evaluated: 2023-03-16. Review status: no assertion criteria provided. Collection method: clinical testing. Allele origin: germline. Not counted in ClinVar's aggregate classification.
Comment: This variant is classified as likely benign based on ACMG/AMP sequence variant interpretation guidelines (Richards et al. 2015 PMID: 25741868, with internal and published modifications).

NM_173689.7(CRB2):c.3754C>T (p.Arg1252Cys)

Gene: CRB2 (crumbs cell polarity complex component 2; plus strand). Cytogenetic location: 9q33.3.
Variant type: single nucleotide variant.
Coding change: c.3754C>T on transcript NM_173689.7 (MANE Select); coding-DNA position 3754, C replaced by T.
Protein change: p.Arg1252Cys; replaces arginine 1252 with cysteine.
Molecular consequence: missense variant. On other transcripts: non-coding transcript variant (1).
Genome position (GRCh38, 1-based): chr9:123,376,958, C>T. VCF-style: chr9-123376958-C-T. GRCh37 (hg19) VCF-style: chr9-126139237-C-T.
Other names: c.3754C>T (NM_173689.5); short protein forms R1252C.
Identifiers: ClinVar variation 721393 (VCV000721393.17), dbSNP rs537738396, ClinGen allele CA5232608.